The following is an entry in ClinVar:

ClinVar aggregate classification (germline): Conflicting classifications of pathogenicity. Review status: criteria provided, conflicting classifications (1 of 4 stars). 4 submissions from 4 submitters: Pathogenic (1); Likely pathogenic (1); Uncertain significance (1). 1 of the submissions does not count toward it. Last evaluated 2025-08-21.

Conditions:
USH2A-related disorder. Also called: USH2A-related disorders; USH2A-related condition. Identifiers: MedGen CN239332.
Retinal dystrophy. Also called: Inherited retinal dystrophy. Identifiers: Orphanet 71862, MedGen C0854723, MeSH D058499, MONDO:0019118, HP:0000556.
Usher syndrome type 2A. Also called: RETINAL DISEASE IN USHER SYNDROME TYPE IIA, MODIFIER OF; USHER SYNDROME, TYPE IIA. Identifiers: Orphanet 231178, Orphanet 886, MedGen C1848634, MONDO:0010169, OMIM 276901.
Retinitis pigmentosa 39 (RP39). Identifiers: Orphanet 791, MedGen C3151138, MONDO:0013436, OMIM 613809.

Allele frequency attached by ClinVar (database versions not stated): gnomAD exomes below 0.00001.
gnomAD v4.1: 1 of 1,614,122 alleles (0.000062%); highest among the groups gnomAD compares: Non-Finnish European, 0.000085%; no homozygotes.

Submissions (4):

Labcorp Genetics (formerly Invitae), Labcorp
Classification: Pathogenic. Last evaluated: 2025-08-21. Review status: criteria provided, single submitter. Criteria: Invitae Variant Classification Sherloc (09022015). Collection method: clinical testing. Allele origin: germline.
Comment: This sequence change replaces cysteine, which is neutral and slightly polar, with arginine, which is basic and polar, at codon 577 of the USH2A protein (p.Cys577Arg). This variant is not present in population databases (gnomAD no frequency). This missense change has been observed in individual(s) with Usher syndrome (PMID: 24944099, 25558175). In at least one individual the data is consistent with being in trans (on the opposite chromosome) from a pathogenic variant. ClinVar contains an entry for this variant (Variation ID: 553101). Invitae Evidence Modeling of protein sequence and biophysical properties (such as structural, functional, and spatial information, amino acid conservation, physicochemical variation, residue mobility, and thermodynamic stability) indicates that this missense variant is expected to disrupt USH2A protein function with a positive predictive value of 95%. For these reasons, this variant has been classified as Pathogenic.

Dept Of Ophthalmology, Nagoya University
Classification: Uncertain significance for Retinal dystrophy. Last evaluated: 2023-10-01. Review status: criteria provided, single submitter. Criteria: Submitter's publication. Collection method: research. Allele origin: germline. Affected: yes.

Blueprint Genetics
Classification: Likely pathogenic for USH2A-related disorders. Last evaluated: 2021-10-06. Review status: criteria provided, single submitter. Criteria: ACMG Guidelines, 2015. Collection method: clinical testing. Allele origin: germline. Affected: yes. Observed: 1 variant allele.

Counsyl
Classification: Uncertain significance for Usher syndrome type 2A; Retinitis pigmentosa 39. Last evaluated: 2017-08-02. Review status: no assertion criteria provided. Collection method: clinical testing. Allele origin: unknown. Not counted in ClinVar's aggregate classification.

Literature cited by the submitters: PubMed 24944099 (cited by Labcorp Genetics (formerly Invitae), Labcorp and Counsyl); PubMed 25558175 (cited by Labcorp Genetics (formerly Invitae), Labcorp and Counsyl).

NM_206933.4(USH2A):c.1729T>C (p.Cys577Arg)

Gene: USH2A (usherin; minus strand). Cytogenetic location: 1q41.
Variant type: single nucleotide variant.
Coding change: c.1729T>C on transcript NM_206933.4 (MANE Select); coding-DNA position 1729, T replaced by C.
Protein change: p.Cys577Arg; replaces cysteine 577 with arginine.
Molecular consequence: missense variant.
Genome position (GRCh38, 1-based): chr1:216,292,286, A>G on the plus strand (T>C on the coding strand, the complement: USH2A is on the minus strand). VCF-style: chr1-216292286-A-G. GRCh37 (hg19) VCF-style: chr1-216465628-A-G.
Other names: c.1729T>C, p.Cys577Arg (NM_007123.6); short protein forms C577R.
Identifiers: ClinVar variation 553101 (VCV000553101.12), dbSNP rs1553327470, ClinGen allele CA344903241.